The following is an entry in ClinVar:

ClinVar aggregate classification (germline): Uncertain significance. Review status: criteria provided, multiple submitters, no conflicts (2 of 4 stars). 2 submissions from 2 submitters: Uncertain significance (2). Last evaluated 2026-07-23.

Conditions:
Colorectal cancer, hereditary nonpolyposis, type 7. Identifiers: Orphanet 144, MedGen C1858380, MONDO:0013725, OMIM 614385.

Allele frequency attached by ClinVar (database versions not stated): TOPMed 0.00001.

Submissions (2):

Ambry Genetics
Classification: Uncertain significance. Last evaluated: 2026-07-23. Review status: criteria provided, single submitter. Criteria: Ambry Variant Classification Scheme 2023. Collection method: clinical testing. Allele origin: germline.
Comment: The p.E640Q variant (also known as c.1918G>C), located in coding exon 1 of the MLH3 gene, results from a G to C substitution at nucleotide position 1918. The glutamic acid at codon 640 is replaced by glutamine, an amino acid with highly similar properties. This amino acid position is conserved. In addition, this alteration is predicted to be tolerated by in silico analysis. Based on the available evidence, the clinical significance of this variant remains unclear.

Labcorp Genetics (formerly Invitae), Labcorp
Classification: Uncertain significance for Colorectal cancer, hereditary nonpolyposis, type 7. Last evaluated: 2019-05-29. Review status: criteria provided, single submitter. Criteria: Invitae Variant Classification Sherloc (09022015). Collection method: clinical testing. Allele origin: germline.
Comment: This variant has not been reported in the literature in individuals with MLH3-related conditions. In summary, the available evidence is currently insufficient to determine the role of this variant in disease. Therefore, it has been classified as a Variant of Uncertain Significance. Algorithms developed to predict the effect of missense changes on protein structure and function output the following: SIFT: "Tolerated"; PolyPhen-2: "Benign"; Align-GVGD: "Class C0". The glutamine amino acid residue is found in multiple mammalian species, suggesting that this missense change does not adversely affect protein function. These predictions have not been confirmed by published functional studies and their clinical significance is uncertain. This variant is not present in population databases (ExAC no frequency). This sequence change replaces glutamic acid with glutamine at codon 640 of the MLH3 protein (p.Glu640Gln). The glutamic acid residue is moderately conserved and there is a small physicochemical difference between glutamic acid and glutamine.

NM_001040108.2(MLH3):c.1918G>C (p.Glu640Gln)

Gene: MLH3 (mutL homolog 3; minus strand). Cytogenetic location: 14q24.3.
Variant type: single nucleotide variant.
Coding change: c.1918G>C on transcript NM_001040108.2 (MANE Select); coding-DNA position 1918, G replaced by C.
Protein change: p.Glu640Gln; replaces glutamic acid 640 with glutamine.
Molecular consequence: missense variant.
Genome position (GRCh38, 1-based): chr14:75,047,738, C>G on the plus strand (G>C on the coding strand, the complement: MLH3 is on the minus strand). VCF-style: chr14-75047738-C-G. GRCh37 (hg19) VCF-style: chr14-75514441-C-G.
Other names: c.1918G>C, p.Glu640Gln (NM_014381.3); short protein forms E640Q.
Identifiers: ClinVar variation 941879 (VCV000941879.10), dbSNP rs1892352182, ClinGen allele CA390443788.